The following is an entry in ClinVar:

NM_000080.4(CHRNE):c.544G>C (p.Val182Leu)

Genes: C17orf107 (chromosome 17 open reading frame 107; plus strand), CHRNE (cholinergic receptor nicotinic epsilon subunit; minus strand). Cytogenetic location: 17p13.2.
Variant type: single nucleotide variant.
Coding change: c.544G>C on transcript NM_000080.4 (MANE Select); coding-DNA position 544, G replaced by C.
Protein change: p.Val182Leu; replaces valine 182 with leucine.
Molecular consequence: missense variant. On other transcripts: 3 prime UTR variant (1).
Genome position (GRCh38, 1-based): chr17:4,901,582, C>G on the plus strand (G>C on the coding strand, the complement: CHRNE is on the minus strand). VCF-style: chr17-4901582-C-G. GRCh37 (hg19) VCF-style: chr17-4804877-C-G.
Other names: c.*1049C>G (NM_001145536.2); short protein forms V182L.
Identifiers: ClinVar variation 852591 (VCV000852591.8), dbSNP rs1198430909, ClinGen allele CA397305951.

ClinVar aggregate classification (germline): Uncertain significance (1 of 4 stars; one submission).

Conditions:
Congenital myasthenic syndrome 4A. Also called: CONGENITAL MYASTHENIC SYNDROME TYPE Ia1; Myasthenic syndrome, congenital, 4a, slow-channel; MYASTHENIC SYNDROME, CONGENITAL, 4A, SLOW-CHANNEL, AUTOSOMAL RECESSIVE. Identifiers: Orphanet 590, MedGen C4225413, MONDO:0011600, OMIM 605809.

Allele frequency attached by ClinVar (database versions not stated): gnomAD exomes below 0.00001; gnomAD 0.00001; TOPMed 0.00001.
gnomAD v4.1: 13 of 1,614,042 alleles (0.00081%); highest among the groups gnomAD compares: Non-Finnish European, 0.0011%; no homozygotes.

Submission:

Labcorp Genetics (formerly Invitae), Labcorp
Classification: Uncertain significance for Congenital myasthenic syndrome 4A. Last evaluated: 2024-03-07. Review status: criteria provided, single submitter. Criteria: Invitae Variant Classification Sherloc (09022015). Collection method: clinical testing. Allele origin: germline.
Comment: This sequence change replaces valine, which is neutral and non-polar, with leucine, which is neutral and non-polar, at codon 182 of the CHRNE protein (p.Val182Leu). This variant is present in population databases (no rsID available, gnomAD 0.002%). This variant has not been reported in the literature in individuals affected with CHRNE-related conditions. ClinVar contains an entry for this variant (Variation ID: 852591). Advanced modeling of protein sequence and biophysical properties (such as structural, functional, and spatial information, amino acid conservation, physicochemical variation, residue mobility, and thermodynamic stability) performed at Invitae indicates that this missense variant is not expected to disrupt CHRNE protein function with a negative predictive value of 95%. In summary, the available evidence is currently insufficient to determine the role of this variant in disease. Therefore, it has been classified as a Variant of Uncertain Significance.